The following is an entry in ClinVar:

NM_080732.4(EGLN2):c.55G>C (p.Gly19Arg)

Genes: EGLN2 (egl-9 family hypoxia inducible factor 2; plus strand), RAB4B-EGLN2 (RAB4B-EGLN2 readthrough (NMD candidate); plus strand). Cytogenetic location: 19q13.2.
Variant type: single nucleotide variant.
Coding change: c.55G>C on transcript NM_080732.4 (MANE Select); coding-DNA position 55, G replaced by C.
Protein change: p.Gly19Arg; replaces glycine 19 with arginine.
Molecular consequence: missense variant. On other transcripts: non-coding transcript variant (1).
Genome position (GRCh38, 1-based): chr19:40,800,627, G>C. VCF-style: chr19-40800627-G-C. GRCh37 (hg19) VCF-style: chr19-41306532-G-C.
Other names: c.55G>C, p.Gly19Arg (NM_053046.4); short protein forms G19R.
Identifiers: ClinVar variation 3229009 (VCV003229009.1), dbSNP rs2515992555, ClinGen allele CA405954474.

ClinVar aggregate classification (germline): Uncertain significance (1 of 4 stars; one submission).

Submission:

Ambry Genetics
Classification: Uncertain significance. Last evaluated: 2023-12-23. Review status: criteria provided, single submitter. Criteria: Ambry Variant Classification Scheme 2023. Collection method: clinical testing. Allele origin: germline.
Comment: The p.G19R variant (also known as c.55G>C), located in coding exon 1 of the EGLN2 gene, results from a G to C substitution at nucleotide position 55. The glycine at codon 19 is replaced by arginine, an amino acid with dissimilar properties. This amino acid position is conserved. In addition, this alteration is predicted to be tolerated by in silico analysis. Since supporting evidence is limited at this time, the clinical significance of this alteration remains unclear.